The following is an entry in ClinVar:

NM_001085411.3(NADK2):c.421A>C (p.Arg141=)

Gene: NADK2 (NAD kinase 2, mitochondrial; minus strand). Cytogenetic location: 5p13.2.
Variant type: single nucleotide variant.
Coding change: c.421A>C on transcript NM_001085411.3 (MANE Select); coding-DNA position 421, A replaced by C.
Protein change: p.Arg141=; no amino-acid change (arginine 141 retained).
Molecular consequence: synonymous variant. On other transcripts: 5 prime UTR variant (3).
Genome position (GRCh38, 1-based): chr5:36,226,532, T>G on the plus strand (A>C on the coding strand, the complement: NADK2 is on the minus strand). VCF-style: chr5-36226532-T-G. GRCh37 (hg19) VCF-style: chr5-36226634-T-G.
Other names: c.-69A>C (NM_001287340.2, NM_001287341.2, NM_153013.5).
Identifiers: ClinVar variation 507146 (VCV000507146.1), dbSNP rs1191001603, ClinGen allele CA443896695.

ClinVar aggregate classification (germline): Likely benign (1 of 4 stars; one submission).

Allele frequency attached by ClinVar (database versions not stated): gnomAD exomes 0.00002; gnomAD 0.00003; TOPMed 0.00003.
gnomAD v4.1: 32 of 1,612,922 alleles (0.002%); highest among the groups gnomAD compares: Non-Finnish European, 0.0027%; no homozygotes.

Submission:

GeneDx
Classification: Likely benign. Last evaluated: 2017-02-03. Review status: criteria provided, single submitter. Criteria: GeneDx Variant Classification (06012015). Collection method: clinical testing. Allele origin: germline. Affected: yes.
Comment: This variant is considered likely benign or benign based on one or more of the following criteria: it is a conservative change, it occurs at a poorly conserved position in the protein, it is predicted to be benign by multiple in silico algorithms, and/or has population frequency not consistent with disease.